The following is an entry in ClinVar:

NM_007294.4(BRCA1):c.5278-21T>G

Gene: BRCA1 (BRCA1 DNA repair associated; minus strand). Cytogenetic location: 17q21.31.
Variant type: single nucleotide variant.
Coding change: c.5278-21T>G on transcript NM_007294.4 (MANE Select); 21 bases into the intron before coding-DNA position 5278, T replaced by G.
Molecular consequence: intron variant.
Genome position (GRCh38, 1-based): chr17:43,051,138, A>C on the plus strand (T>G on the coding strand, the complement: BRCA1 is on the minus strand). VCF-style: chr17-43051138-A-C. GRCh37 (hg19) VCF-style: chr17-41203155-A-C.
Other names: c.1825-21T>G (NM_001408458.1, NM_001408461.1, NM_001408464.1 and 7 more transcripts); c.4387-21T>G (NM_001407967.1); c.4897-21T>G (NM_001407959.1); c.5011-21T>G (NM_001407931.1, NM_001407932.1, NM_001407928.1 and 4 more transcripts); c.5134-21T>G (NM_001407747.1, NM_001407745.1, NM_001407737.1 and 21 more transcripts); c.4894-21T>G (NM_001407962.1, NM_001407960.1); c.1465-21T>G (NM_001408512.1); c.1588-21T>G (NM_001408510.1); and 74 more.
Identifiers: ClinVar variation 865241 (VCV000865241.3), dbSNP rs2051219103, ClinGen allele CA916081108.

Conditions:
Breast-ovarian cancer, familial, susceptibility to, 1 (BROVCA1). Also called: BRCA1 Hereditary Breast and Ovarian Cancer; OVARIAN CANCER, SUSCEPTIBILITY TO. Identifiers: Orphanet 145, MedGen C2676676, MONDO:0011450, OMIM 604370. Disease mechanism: loss of function.

Submission:

Brotman Baty Institute, University of Washington
No classification provided (evidence only). Condition: Breast-ovarian cancer, familial 1. Review status: no classification provided. Collection method: in vitro. Allele origin: not applicable. Functional consequence: functionally_normal.
ClinVar note: "not provided" was previously submitted as the classification for the variant. However, the classification appeared to be based only on an observation of functional data so it was converted to no classification on 2025-07-30.